The following is an entry in ClinVar:

ClinVar aggregate classification (germline): Uncertain significance. Review status: criteria provided, multiple submitters, no conflicts (2 of 4 stars). 4 submissions from 4 submitters: Uncertain significance (4). Last evaluated 2026-03-24.

Conditions:
BBS9-related disorder. Also called: BBS9-related condition.
Bardet-Biedl syndrome (BBS). Identifiers: Orphanet 110, MedGen C0752166, MONDO:0015229.
Bardet-Biedl syndrome 9 (BBS9). Identifiers: Orphanet 110, MedGen C1859567, MONDO:0014437, OMIM 615986.

Allele frequency attached by ClinVar (database versions not stated): TOPMed 0.00003; gnomAD 0.00004; gnomAD exomes 0.00004 and 0.00003; ExAC 0.00007.
gnomAD v4.1: 59 of 1,614,064 alleles (0.0037%); highest among the groups gnomAD compares: South Asian, 0.027%; no homozygotes.

Submissions (4):

PreventionGenetics, part of Exact Sciences
Classification: Uncertain significance for BBS9-related condition. Last evaluated: 2026-03-24. Review status: criteria provided, single submitter. Criteria: ACMG Guidelines, 2015. Collection method: clinical testing. Allele origin: germline.
Comment: The BBS9 c.58T>G variant is predicted to result in the amino acid substitution p.Phe20Val. This variant was reported in the heterozygous state as a variant of uncertain significance in a cohort study of children with obesity (Supplementary Table 1, Roberts et al. 2022. PubMed ID: 35562395). This variant is reported in 0.033% of alleles in individuals of South Asian descent in gnomAD. At this time, the clinical significance of this variant is uncertain due to the absence of conclusive functional and genetic evidence.

Blueprint Genetics
Classification: Uncertain significance. Last evaluated: 2023-05-10. Review status: criteria provided, single submitter. Criteria: ACMG Guidelines, 2015. Collection method: clinical testing. Allele origin: germline.

Labcorp Genetics (formerly Invitae), Labcorp
Classification: Uncertain significance for Bardet-Biedl syndrome. Last evaluated: 2022-10-05. Review status: criteria provided, single submitter. Criteria: Invitae Variant Classification Sherloc (09022015). Collection method: clinical testing. Allele origin: germline.
Comment: This sequence change replaces phenylalanine, which is neutral and non-polar, with valine, which is neutral and non-polar, at codon 20 of the BBS9 protein (p.Phe20Val). This variant is present in population databases (rs779638896, gnomAD 0.03%). This variant has not been reported in the literature in individuals affected with BBS9-related conditions. ClinVar contains an entry for this variant (Variation ID: 649884). Advanced modeling of protein sequence and biophysical properties (such as structural, functional, and spatial information, amino acid conservation, physicochemical variation, residue mobility, and thermodynamic stability) performed at Invitae indicates that this missense variant is expected to disrupt BBS9 protein function. In summary, the available evidence is currently insufficient to determine the role of this variant in disease. Therefore, it has been classified as a Variant of Uncertain Significance.

Fulgent Genetics
Classification: Uncertain significance for Bardet-Biedl syndrome 9. Last evaluated: 2022-04-08. Review status: criteria provided, single submitter. Criteria: ACMG Guidelines, 2015. Collection method: clinical testing. Allele origin: unknown.

NM_198428.3(BBS9):c.58T>G (p.Phe20Val)

Gene: BBS9 (Bardet-Biedl syndrome 9; plus strand). Cytogenetic location: 7p14.3.
Variant type: single nucleotide variant.
Coding change: c.58T>G on transcript NM_198428.3 (MANE Select); coding-DNA position 58, T replaced by G.
Protein change: p.Phe20Val; replaces phenylalanine 20 with valine.
Molecular consequence: missense variant. On other transcripts: 5 prime UTR variant (3), non-coding transcript variant (3), intron variant (4).
Genome position (GRCh38, 1-based): chr7:33,146,310, T>G. VCF-style: chr7-33146310-T-G. GRCh37 (hg19) VCF-style: chr7-33185922-T-G.
Other names: c.58T>G, p.Phe20Val (NM_001033604.2, NM_001033605.2, NM_001348036.1 and 5 more transcripts); c.-244T>G (NM_001348037.3); c.-220T>G (NM_001348038.3, NM_001348039.3); c.-23-6391T>G (NM_001348042.3); c.-189-6391T>G (NM_001348045.3); c.-39+16269T>G (NM_001348046.3, NM_001348044.3); short protein forms F20V.
Identifiers: ClinVar variation 649884 (VCV000649884.11), dbSNP rs779638896, ClinGen allele CA4213857.